The following is an entry in ClinVar:

ClinVar aggregate classification (germline): Likely benign. Review status: criteria provided, multiple submitters, no conflicts (2 of 4 stars). 3 submissions from 3 submitters: Likely benign (2). 1 of the submissions does not count toward it. Last evaluated 2026-03-10.

Conditions:
SRP72-related disorder. Also called: SRP72-related condition.

gnomAD v4.1: 2 of 1,561,350 alleles (0.00013%); highest among the groups gnomAD compares: Admixed American, 0.0039%; no homozygotes.

Submissions (3):

Ambry Genetics
Classification: Likely benign. Last evaluated: 2026-03-10. Review status: criteria provided, single submitter. Criteria: Ambry Variant Classification Scheme 2023. Collection method: clinical testing. Allele origin: germline.

Labcorp Genetics (formerly Invitae), Labcorp
Classification: Likely benign. Last evaluated: 2023-10-22. Review status: criteria provided, single submitter. Criteria: Invitae Variant Classification Sherloc (09022015). Collection method: clinical testing. Allele origin: germline.

PreventionGenetics, part of Exact Sciences
Classification: Likely benign for SRP72-related condition. Last evaluated: 2021-03-05. Review status: no assertion criteria provided. Collection method: clinical testing. Allele origin: germline. Not counted in ClinVar's aggregate classification.
Comment: This variant is classified as likely benign based on ACMG/AMP sequence variant interpretation guidelines (Richards et al. 2015 PMID: 25741868, with internal and published modifications).

NM_006947.4(SRP72):c.33A>G (p.Val11=)

Genes: SRP72 (signal recognition particle 72; plus strand), LOC129992625 (ATAC-STARR-seq lymphoblastoid active region 21580; plus strand). Cytogenetic location: 4q12.
Variant type: single nucleotide variant.
Coding change: c.33A>G on transcript NM_006947.4 (MANE Select); coding-DNA position 33, A replaced by G.
Protein change: p.Val11=; no amino-acid change (valine 11 retained).
Molecular consequence: synonymous variant. On other transcripts: non-coding transcript variant (1).
Genome position (GRCh38, 1-based): chr4:56,467,668, A>G. VCF-style: chr4-56467668-A-G. GRCh37 (hg19) VCF-style: chr4-57333834-A-G.
Other names: c.33A>G, p.Val11= (NM_001267722.2); c.33A>G (NM_006947.3).
Identifiers: ClinVar variation 2790251 (VCV002790251.6), dbSNP rs1054424408, ClinGen allele CA439501292.
Genomic context (GRCh38, chr4:56,467,668, plus strand): 5'-CCCCGCCCCGCCCCTCGTCTCCTCCAAGATGGCGAGCGGCGGCAGCGGGGGGGTGTCAGT[A>G]CCTGCGCTGTGGAGTGAAGTGAACCGGTATGGCCAGAACGGCGACTTCACGCGCGCTCTC-3'
Protein context (NP_008878.3, residues 1-21): MASGGSGGVS[Val11=]PALWSEVNRY